The following is an entry in ClinVar:

NM_015425.6(POLR1A):c.4250G>A (p.Arg1417His)

Gene: POLR1A (RNA polymerase I subunit A; minus strand). Cytogenetic location: 2p11.2.
Variant type: single nucleotide variant.
Coding change: c.4250G>A on transcript NM_015425.6 (MANE Select); coding-DNA position 4250, G replaced by A.
Protein change: p.Arg1417His; replaces arginine 1417 with histidine.
Molecular consequence: missense variant.
Genome position (GRCh38, 1-based): chr2:86,032,294, C>T on the plus strand (G>A on the coding strand, the complement: POLR1A is on the minus strand). VCF-style: chr2-86032294-C-T. GRCh37 (hg19) VCF-style: chr2-86259417-C-T.
Other names: short protein forms R1417H.
Identifiers: ClinVar variation 2012668 (VCV002012668.4), dbSNP rs745469631, ClinGen allele CA347547777.

ClinVar aggregate classification (germline): Uncertain significance (1 of 4 stars; one submission).

Allele frequency attached by ClinVar (database versions not stated): TOPMed 0.00001.
gnomAD v4.1: 12 of 1,612,164 alleles (0.00074%); highest among the groups gnomAD compares: East Asian, 0.0022%; no homozygotes.

Submission:

Labcorp Genetics (formerly Invitae), Labcorp
Classification: Uncertain significance. Last evaluated: 2024-08-08. Review status: criteria provided, single submitter. Criteria: Invitae Variant Classification Sherloc (09022015). Collection method: clinical testing. Allele origin: germline.
Comment: This sequence change replaces arginine, which is basic and polar, with histidine, which is basic and polar, at codon 1417 of the POLR1A protein (p.Arg1417His). The frequency data for this variant in the population databases is considered unreliable, as metrics indicate poor data quality at this position in the gnomAD database. This variant has not been reported in the literature in individuals affected with POLR1A-related conditions. ClinVar contains an entry for this variant (Variation ID: 2012668). Advanced modeling of protein sequence and biophysical properties (such as structural, functional, and spatial information, amino acid conservation, physicochemical variation, residue mobility, and thermodynamic stability) has been performed at Invitae for this missense variant, however the output from this modeling did not meet the statistical confidence thresholds required to predict the impact of this variant on POLR1A protein function. In summary, the available evidence is currently insufficient to determine the role of this variant in disease. Therefore, it has been classified as a Variant of Uncertain Significance.